The following is an entry in ClinVar:

ClinVar aggregate classification (germline): Pathogenic (1 of 4 stars; one submission).

Submission:

GeneDx
Classification: Pathogenic. Last evaluated: 2018-07-05. Review status: criteria provided, single submitter. Criteria: GeneDx Variant Classification (06012015). Collection method: clinical testing. Allele origin: germline. Affected: yes.
Comment: The c.1698_1699delGA variant in the ASXL3 gene has not been reported previously as a pathogenic variant nor as a benign variant, to our knowledge. This variant causes a frameshift starting with codon Glutamic Acid 566, changes this amino acid to an Aspartic Acid residue, and creates a premature Stop codon at position 20 of the new reading frame, denoted p.Glu566AspfsX20. This variant is predicted to cause loss of normal protein function either through protein truncation or nonsense-mediated mRNA decay. The c.1698_1699delGA variant is not observed in large population cohorts (Lek et al., 2016). We interpret c.1698_1699delGA as a pathogenic variant.

NM_030632.3(ASXL3):c.1698_1699del (p.Glu566fs)

Gene: ASXL3 (ASXL transcriptional regulator 3; plus strand). Cytogenetic location: 18q12.1.
Variant type: Microsatellite.
Coding change: c.1698_1699del on transcript NM_030632.3 (MANE Select); coding-DNA positions 1698 to 1699, 2 bases deleted (GA; older notation c.1698_1699delGA).
Protein change: p.Glu566fs; shifts the reading frame from glutamic acid 566.
Molecular consequence: frameshift variant.
Genome position (GRCh38, 1-based): chr18:33,739,102-33,739,103, GA deleted; deleting any 2 consecutive bases within chr18:33,739,099-33,739,103 gives the same sequence; the c. name uses the placement nearest the transcript's 3' end. VCF-style (leftmost placement, unchanged base first): chr18-33739098-TAG-T. GRCh37 (hg19) VCF-style: chr18-31319062-TAG-T.
Other names: short protein forms E566fs.
Identifiers: ClinVar variation 817120 (VCV000817120.1), dbSNP rs1599563619, ClinGen allele CA915951350.